The following is an entry in ClinVar:

NM_153676.4(USH1C):c.442G>A (p.Glu148Lys)

Gene: USH1C (USH1 protein network component harmonin; minus strand). Cytogenetic location: 11p15.1.
Variant type: single nucleotide variant.
Coding change: c.442G>A on transcript NM_153676.4 (MANE Select); coding-DNA position 442, G replaced by A.
Protein change: p.Glu148Lys; replaces glutamic acid 148 with lysine.
Molecular consequence: missense variant. On other transcripts: non-coding transcript variant (1).
Genome position (GRCh38, 1-based): chr11:17,527,277, C>T on the plus strand (G>A on the coding strand, the complement: USH1C is on the minus strand). VCF-style: chr11-17527277-C-T. GRCh37 (hg19) VCF-style: chr11-17548824-C-T.
Other names: c.442G>A, p.Glu148Lys (NM_001297764.2, NM_005709.4); short protein forms E148K.
Identifiers: ClinVar variation 992086 (VCV000992086.3), dbSNP rs747960087, ClinGen allele CA5905042.

ClinVar aggregate classification (germline): Uncertain significance. Review status: criteria provided, single submitter (1 of 4 stars). 2 submissions from 2 submitters: Uncertain significance (1). 1 of the submissions does not count toward it. Last evaluated 2022-03-13.

Conditions:
Usher syndrome type 1C. Also called: USHER SYNDROME, TYPE I, ACADIAN VARIETY. Identifiers: Orphanet 231169, Orphanet 886, MedGen C1848604, MONDO:0010171, OMIM 276904.

Allele frequency attached by ClinVar (database versions not stated): ExAC 0.00001; gnomAD 0.00001; TOPMed 0.00003.

Submissions (2):

Labcorp Genetics (formerly Invitae), Labcorp
Classification: Uncertain significance. Last evaluated: 2022-03-13. Review status: criteria provided, single submitter. Criteria: Invitae Variant Classification Sherloc (09022015). Collection method: clinical testing. Allele origin: germline.
Comment: This sequence change replaces glutamic acid, which is acidic and polar, with lysine, which is basic and polar, at codon 148 of the USH1C protein (p.Glu148Lys). This variant is present in population databases (rs747960087, gnomAD 0.007%). This variant has not been reported in the literature in individuals affected with USH1C-related conditions. ClinVar contains an entry for this variant (Variation ID: 992086). Algorithms developed to predict the effect of missense changes on protein structure and function (SIFT, PolyPhen-2, Align-GVGD) all suggest that this variant is likely to be tolerated. Algorithms developed to predict the effect of sequence changes on RNA splicing suggest that this variant may create or strengthen a splice site. In summary, the available evidence is currently insufficient to determine the role of this variant in disease. Therefore, it has been classified as a Variant of Uncertain Significance.

Natera, Inc.
Classification: Uncertain significance for Usher syndrome type 1C. Last evaluated: 2020-04-11. Review status: no assertion criteria provided. Collection method: clinical testing. Allele origin: germline. Not counted in ClinVar's aggregate classification.